The following is an entry in ClinVar:

NM_020461.4(TUBGCP6):c.2955G>T (p.Trp985Cys)

Gene: TUBGCP6 (tubulin gamma complex component 6; minus strand). Cytogenetic location: 22q13.33.
Variant type: single nucleotide variant.
Coding change: c.2955G>T on transcript NM_020461.4 (MANE Select); coding-DNA position 2955, G replaced by T.
Protein change: p.Trp985Cys; replaces tryptophan 985 with cysteine.
Molecular consequence: missense variant.
Genome position (GRCh38, 1-based): chr22:50,221,404, C>A on the plus strand (G>T on the coding strand, the complement: TUBGCP6 is on the minus strand). VCF-style: chr22-50221404-C-A. GRCh37 (hg19) VCF-style: chr22-50659833-C-A.
Other names: short protein forms W985C.
Identifiers: ClinVar variation 1360655 (VCV001360655.6), dbSNP rs757289138, ClinGen allele CA10308081.

ClinVar aggregate classification (germline): Uncertain significance (1 of 4 stars; one submission).

Allele frequency attached by ClinVar (database versions not stated): gnomAD exomes below 0.00001 and 0.00001; TOPMed below 0.00001; ExAC 0.00001; gnomAD 0.00001.
gnomAD v4.1: 6 of 1,605,768 alleles (0.00037%); highest among the groups gnomAD compares: Admixed American, 0.0034%; no homozygotes.

Submission:

Labcorp Genetics (formerly Invitae), Labcorp
Classification: Uncertain significance. Last evaluated: 2022-04-08. Review status: criteria provided, single submitter. Criteria: Invitae Variant Classification Sherloc (09022015). Collection method: clinical testing. Allele origin: germline.
Comment: The frequency data for this variant in the population databases is considered unreliable, as metrics indicate poor data quality at this position in the gnomAD database. This sequence change replaces tryptophan, which is neutral and slightly polar, with cysteine, which is neutral and slightly polar, at codon 985 of the TUBGCP6 protein (p.Trp985Cys). This variant has not been reported in the literature in individuals affected with TUBGCP6-related conditions. Algorithms developed to predict the effect of missense changes on protein structure and function output the following: SIFT: "Deleterious"; PolyPhen-2: "Possibly Damaging"; Align-GVGD: "Class C0". The cysteine amino acid residue is found in multiple mammalian species, which suggests that this missense change does not adversely affect protein function. Algorithms developed to predict the effect of sequence changes on RNA splicing suggest that this variant may create or strengthen a splice site. In summary, the available evidence is currently insufficient to determine the role of this variant in disease. Therefore, it has been classified as a Variant of Uncertain Significance.